The following is an entry in ClinVar:

ClinVar aggregate classification (germline): Likely benign (1 of 4 stars; one submission).

Conditions:
Charcot-Marie-Tooth disease axonal type 2P. Also called: Charcot-Marie-Tooth Neuropathy Type 2G; CHARCOT-MARIE-TOOTH DISEASE, AXONAL, TYPE 2G; CMT 2G; CHARCOT-MARIE-TOOTH NEUROPATHY, TYPE 2P. Identifiers: Orphanet 300319, Orphanet 99941, MedGen C3280797, MONDO:0013753, OMIM 614436.

Allele frequency attached by ClinVar (database versions not stated): gnomAD 0.00017 and 0.00032; gnomAD exomes 0.00032; TOPMed 0.00036; 1000 Genomes Project 30x 0.00109; 1000 Genomes Project 0.00140.
gnomAD v4.1: 50 of 155,280 alleles (0.032%); highest among the groups gnomAD compares: East Asian, 0.77%; 2 homozygotes.

Submission:

Illumina Laboratory Services, Illumina
Classification: Likely benign for Charcot-Marie-Tooth disease axonal type 2P. Last evaluated: 2018-01-13. Review status: criteria provided, single submitter. Criteria: ICSL Variant Classification Criteria 13 December 2019. Collection method: clinical testing. Allele origin: germline.
Comment: This variant was observed in the ICSL laboratory as part of a predisposition screen in an ostensibly healthy population. It had not been previously curated by ICSL or reported in the Human Gene Mutation Database (HGMD: prior to June 1st, 2018), and was therefore a candidate for classification through an automated scoring system. Utilizing variant allele frequency, disease prevalence and penetrance estimates, and inheritance mode, an automated score was calculated to assess if this variant is too frequent to cause the disease. Based on the score and internal cut-off values, a variant classified as likely benign is not then subjected to further curation. The score for this variant resulted in a classification of likely benign for this disease.

NM_001005373.4(LRSAM1):c.*590T>C

Gene: LRSAM1 (leucine rich repeat and sterile alpha motif containing 1; plus strand). Cytogenetic location: 9q34.11.
Variant type: single nucleotide variant.
Coding change: c.*590T>C on transcript NM_001005373.4 (MANE Select); 590 bases downstream of the stop codon, T replaced by C.
Molecular consequence: 3 prime UTR variant. On other transcripts: non-coding transcript variant (2).
Genome position (GRCh38, 1-based): chr9:127,503,489, T>C. VCF-style: chr9-127503489-T-C. GRCh37 (hg19) VCF-style: chr9-130265768-T-C.
Other names: c.*590T>C (NM_001005374.4, NM_001190723.3, NM_001384142.1 and 3 more transcripts).
Identifiers: ClinVar variation 365041 (VCV000365041.5), dbSNP rs139260397, ClinGen allele CA10629024.
Genomic context (GRCh38, chr9:127,503,489, plus strand): 5'-CACAACTGTCCCTCCTTACCCCATGTAGCTCGATCCGAAGCAGGAGTGTCAATAAACCTG[T>C]CTTCAGTGCGCTTCTGGCCTGAGTCATCACTGGGTTCTCATGGGAGCCCAGGGAGGGGAG-3'